The following is an entry in ClinVar:

NM_001369.3(DNAH5):c.3013A>T (p.Asn1005Tyr)

Genes: DNAH5 (dynein axonemal heavy chain 5; minus strand), DNAH5-AS1 (DNAH5 antisense RNA 1; plus strand). Cytogenetic location: 5p15.2.
Variant type: single nucleotide variant.
Coding change: c.3013A>T on transcript NM_001369.3 (MANE Select); coding-DNA position 3013, A replaced by T.
Protein change: p.Asn1005Tyr; replaces asparagine 1005 with tyrosine.
Molecular consequence: missense variant.
Genome position (GRCh38, 1-based): chr5:13,883,065, T>A on the plus strand (A>T on the coding strand, the complement: DNAH5 is on the minus strand). VCF-style: chr5-13883065-T-A. GRCh37 (hg19) VCF-style: chr5-13883174-T-A.
Other names: short protein forms N1005Y.
Identifiers: ClinVar variation 454763 (VCV000454763.16), dbSNP rs770975422, ClinGen allele CA3204415.

ClinVar aggregate classification (germline): Conflicting classifications of pathogenicity. Review status: criteria provided, conflicting classifications (1 of 4 stars). 5 submissions from 5 submitters: Uncertain significance (3); Likely benign (1). 1 of the submissions does not count toward it. Last evaluated 2025-08-15.

Conditions:
Primary ciliary dyskinesia 3. Identifiers: Orphanet 244, MedGen C1837618, MONDO:0012085, OMIM 608644.
Primary ciliary dyskinesia. Also called: Ciliary dyskinesia. Identifiers: Orphanet 244, MedGen C0008780, MONDO:0016575, HP:0012265.

Allele frequency attached by ClinVar (database versions not stated): gnomAD 0.00001; TOPMed 0.00002; gnomAD exomes 0.00004 and 0.00005; ExAC 0.00007.
gnomAD v4.1: 64 of 1,614,010 alleles (0.004%); highest among the groups gnomAD compares: South Asian, 0.018%; no homozygotes.

Submissions (5):

Department of Genetics, Sultan Qaboos University Hospital
Classification: Uncertain significance for Primary ciliary dyskinesia. Last evaluated: 2025-08-15. Review status: criteria provided, single submitter. Criteria: ACMG Guidelines, 2015. Collection method: research. Allele origin: germline. Affected: yes.

Labcorp Genetics (formerly Invitae), Labcorp
Classification: Likely benign for Primary ciliary dyskinesia. Last evaluated: 2024-10-22. Review status: criteria provided, single submitter. Criteria: Invitae Variant Classification Sherloc (09022015). Collection method: clinical testing. Allele origin: germline.

Genome-Nilou Lab
Classification: Uncertain significance for Primary ciliary dyskinesia 3. Last evaluated: 2021-07-14. Review status: criteria provided, single submitter. Criteria: ACMG Guidelines, 2015. Collection method: clinical testing. Allele origin: germline. Affected: no.

Centre for Mendelian Genomics, University Medical Centre Ljubljana
Classification: Uncertain significance for Primary ciliary dyskinesia 3. Last evaluated: 2016-01-01. Review status: criteria provided, single submitter. Criteria: ACMG Guidelines, 2015. Collection method: clinical testing. Allele origin: unknown. Affected: yes.
Comment: This variant was classified as: Uncertain significance. The following ACMG criteria were applied in classifying this variant: PM2,PP4.

Natera, Inc.
Classification: Uncertain significance for Primary ciliary dyskinesia. Last evaluated: 2019-10-28. Review status: no assertion criteria provided. Collection method: clinical testing. Allele origin: germline. Not counted in ClinVar's aggregate classification.